The following is an entry in ClinVar:

NM_001844.5(COL2A1):c.1606A>T (p.Ser536Cys)

Gene: COL2A1 (collagen type II alpha 1 chain; minus strand). Cytogenetic location: 12q13.11.
Variant type: single nucleotide variant.
Coding change: c.1606A>T on transcript NM_001844.5 (MANE Select); coding-DNA position 1606, A replaced by T.
Protein change: p.Ser536Cys; replaces serine 536 with cysteine.
Molecular consequence: missense variant.
Genome position (GRCh38, 1-based): chr12:47,985,802, T>A on the plus strand (A>T on the coding strand, the complement: COL2A1 is on the minus strand). VCF-style: chr12-47985802-T-A. GRCh37 (hg19) VCF-style: chr12-48379585-T-A.
Other names: c.1399A>T, p.Ser467Cys (NM_033150.3); short protein forms S467C, S536C.
Identifiers: ClinVar variation 3717580 (VCV003717580.2).

ClinVar aggregate classification (germline): Uncertain significance (1 of 4 stars; one submission).

Submission:

Labcorp Genetics (formerly Invitae), Labcorp
Classification: Uncertain significance. Last evaluated: 2024-09-21. Review status: criteria provided, single submitter. Criteria: Invitae Variant Classification Sherloc (09022015). Collection method: clinical testing. Allele origin: germline.
Comment: This sequence change replaces serine, which is neutral and polar, with cysteine, which is neutral and slightly polar, at codon 536 of the COL2A1 protein (p.Ser536Cys). This variant is not present in population databases (gnomAD no frequency). This variant has not been reported in the literature in individuals affected with COL2A1-related conditions. Invitae Evidence Modeling of protein sequence and biophysical properties (such as structural, functional, and spatial information, amino acid conservation, physicochemical variation, residue mobility, and thermodynamic stability) indicates that this missense variant is not expected to disrupt COL2A1 protein function with a negative predictive value of 80%. In summary, the available evidence is currently insufficient to determine the role of this variant in disease. Therefore, it has been classified as a Variant of Uncertain Significance.